The following is an entry in ClinVar:

NM_003640.5(ELP1):c.1831G>A (p.Glu611Lys)

Gene: ELP1 (elongator acetyltransferase complex subunit 1; minus strand). Cytogenetic location: 9q31.3.
Variant type: single nucleotide variant.
Coding change: c.1831G>A on transcript NM_003640.5 (MANE Select); coding-DNA position 1831, G replaced by A.
Protein change: p.Glu611Lys; replaces glutamic acid 611 with lysine.
Molecular consequence: missense variant.
Genome position (GRCh38, 1-based): chr9:108,902,862, C>T on the plus strand (G>A on the coding strand, the complement: ELP1 is on the minus strand). VCF-style: chr9-108902862-C-T. GRCh37 (hg19) VCF-style: chr9-111665142-C-T.
Other names: c.784G>A, p.Glu262Lys (NM_001330749.2); c.1489G>A, p.Glu497Lys (NM_001318360.2); short protein forms E262K, E497K, E611K.
Identifiers: ClinVar variation 1199316 (VCV001199316.5), dbSNP rs1198964450, ClinGen allele CA374425537.
Genomic context (GRCh38, chr9:108,902,862, plus strand): 5'-CTACTTTAAGTAAATTTCCTGCTCCGTGTTCACCTACCTCTTCTCCAATCATGGCCAATT[C>T]GGTCTGGGTGCATGGATAAGGAAACCGAACAGGAAATCCACCAGAGTTCTTCCATGGTTT-3'
Protein context (NP_003631.2, residues 601-621): VRFPYPCTQT[Glu611Lys]LAMIGEEECV

ClinVar aggregate classification (germline): Uncertain significance. Review status: criteria provided, multiple submitters, no conflicts (2 of 4 stars). 2 submissions from 2 submitters: Uncertain significance (2). Last evaluated 2022-01-26.

Conditions:
Familial dysautonomia. Also called: FD; HSAN III. Identifiers: Orphanet 1764, MedGen C0013364, MONDO:0009131, OMIM 223900. Disease mechanism: loss of function.

Allele frequency attached by ClinVar (database versions not stated): gnomAD 0.00001; TOPMed 0.00001.
gnomAD v4.1: 16 of 1,613,520 alleles (0.00099%); highest among the groups gnomAD compares: African/African-American, 0.0013%; no homozygotes.

Submissions (2):

Labcorp Genetics (formerly Invitae), Labcorp
Classification: Uncertain significance. Last evaluated: 2022-01-26. Review status: criteria provided, single submitter. Criteria: Invitae Variant Classification Sherloc (09022015). Collection method: clinical testing. Allele origin: germline.
Comment: This sequence change replaces glutamic acid, which is acidic and polar, with lysine, which is basic and polar, at codon 611 of the ELP1 protein (p.Glu611Lys). This variant is not present in population databases (gnomAD no frequency). This variant has not been reported in the literature in individuals affected with ELP1-related conditions. ClinVar contains an entry for this variant (Variation ID: 1199316). Algorithms developed to predict the effect of missense changes on protein structure and function are either unavailable or do not agree on the potential impact of this missense change (SIFT: "Tolerated"; PolyPhen-2: "Possibly Damaging"; Align-GVGD: "Class C0"). In summary, the available evidence is currently insufficient to determine the role of this variant in disease. Therefore, it has been classified as a Variant of Uncertain Significance.

Genome-Nilou Lab
Classification: Uncertain significance for Familial dysautonomia. Last evaluated: 2021-07-14. Review status: criteria provided, single submitter. Criteria: ACMG Guidelines, 2015. Collection method: clinical testing. Allele origin: germline. Affected: no.